The following is an entry in ClinVar:

NM_133433.4(NIPBL):c.6886A>G (p.Ser2296Gly)

Gene: NIPBL (NIPBL cohesin loading factor; plus strand). Cytogenetic location: 5p13.2.
Variant type: single nucleotide variant.
Coding change: c.6886A>G on transcript NM_133433.4 (MANE Select); coding-DNA position 6886, A replaced by G.
Protein change: p.Ser2296Gly; replaces serine 2296 with glycine.
Molecular consequence: missense variant.
Genome position (GRCh38, 1-based): chr5:37,049,233, A>G. VCF-style: chr5-37049233-A-G. GRCh37 (hg19) VCF-style: chr5-37049335-A-G.
Other names: c.6886A>G, p.Ser2296Gly (NM_015384.5); short protein forms S2296G.
Identifiers: ClinVar variation 1343273 (VCV001343273.1), dbSNP rs1401102641, ClinGen allele CA359508971.

ClinVar aggregate classification (germline): Uncertain significance (1 of 4 stars; one submission).

Conditions:
Cornelia de Lange syndrome 1 (CDLS1). Also called: TYPUS DEGENERATIVUS AMSTELODAMENSIS; NIPBL-Related Cornelia de Lange Syndrome; Brachmann de Lange syndrome. Identifiers: Orphanet 199, MedGen C4551851, MONDO:0007387, OMIM 122470.

Allele frequency attached by ClinVar (database versions not stated): gnomAD exomes below 0.00001.
gnomAD v4.1: 1 of 1,614,124 alleles (0.000062%); highest among the groups gnomAD compares: Non-Finnish European, 0.000085%; no homozygotes.

Submission:

Institute of Human Genetics, Clinical Exome/Genome Diagnostics Group, University Hospital Bonn
Classification: Uncertain significance for Cornelia de Lange syndrome 1. Last evaluated: 2021-08-09. Review status: criteria provided, single submitter. Criteria: ACMG Guidelines, 2015. Collection method: clinical testing. Allele origin: germline. Affected: yes.
Comment: PS1, PP2, PP5, BS2